The following is an entry in ClinVar:

ClinVar aggregate classification (germline): Uncertain significance. Review status: reviewed by expert panel (3 of 4 stars). 3 submissions from 3 submitters: Uncertain significance (1). 2 of the submissions do not count toward it. Last evaluated 2024-07-25.

Conditions:
Inborn genetic diseases. Identifiers: MedGen C0950123, MeSH D030342.
Hereditary thrombocytopenia and hematologic cancer predisposition syndrome. Identifiers: Orphanet 71290, MedGen CN281654, MONDO:0011071.
Hereditary thrombocytopenia and hematological cancer predisposition syndrome associated with RUNX1. Also called: Familial Platelet Disorder with Propensity to Acute Myelogenous Leukemia; Familial thrombocytopenia with propensity to acute myelogenous leukemia; PLATELET DISORDER, ASPIRIN-LIKE; RUNX1 Familial Platelet Disorder with Associated Myeloid Malignancies. Identifiers: Orphanet 71290, MedGen C1832388, MeSH C563324, MONDO:0100083, OMIM 601399.

Allele frequency attached by ClinVar (database versions not stated): TOPMed below 0.00001.

Submissions (3):

ClinGen Myeloid Malignancy Variant Curation Expert Panel
Classification: Uncertain significance for Hereditary thrombocytopenia and hematologic cancer predisposition syndrome. Last evaluated: 2024-07-25. Review status: reviewed by expert panel. Criteria: ClinGen MyeloMalig ACMG Specifications v2. Collection method: curation. Allele origin: germline. Inheritance: Autosomal dominant inheritance.
Comment: NM_001754.5(RUNX1):c.1151C>T (p.Pro384Leu) is a missense variant. This variant is completely absent from all population databases with at least 20x coverage for RUNX1 in gnomAD v2.1.1 and v3.1.2 (PM2_supporting). This variant was reported in ClinVar in 2022 by Invitae, but the affected status of the proband is unknown (Variation ID 1986052). In summary, the clinical significance of this variant is uncertain. ACMG/AMP criteria applied, as specified by the Myeloid Malignancy Variant Curation Expert Panel for RUNX1: PM2_supporting.

Ambry Genetics
Classification: Uncertain significance for Inborn genetic diseases. Last evaluated: 2026-09-05. Review status: criteria provided, single submitter. Criteria: Ambry Variant Classification Scheme 2023. Collection method: clinical testing. Allele origin: germline. Not counted in ClinVar's aggregate classification.
Comment: The p.P384L variant (also known as c.1151C>T), located in coding exon 8 of the RUNX1 gene, results from a C to T substitution at nucleotide position 1151. The proline at codon 384 is replaced by leucine, an amino acid with similar properties. This amino acid position is conserved. In addition, this alteration is predicted to be deleterious by in silico analysis. Based on the available evidence, the clinical significance of this variant remains unclear.

Labcorp Genetics (formerly Invitae), Labcorp
Classification: Uncertain significance for Hereditary thrombocytopenia and hematological cancer predisposition syndrome associated with RUNX1. Last evaluated: 2023-07-31. Review status: criteria provided, single submitter. Criteria: Invitae Variant Classification Sherloc (09022015). Collection method: clinical testing. Allele origin: germline. Not counted in ClinVar's aggregate classification.
Comment: In summary, the available evidence is currently insufficient to determine the role of this variant in disease. Therefore, it has been classified as a Variant of Uncertain Significance. Advanced modeling of protein sequence and biophysical properties (such as structural, functional, and spatial information, amino acid conservation, physicochemical variation, residue mobility, and thermodynamic stability) performed at Invitae indicates that this missense variant is not expected to disrupt RUNX1 protein function. ClinVar contains an entry for this variant (Variation ID: 1986052). This variant has not been reported in the literature in individuals affected with RUNX1-related conditions. This variant is not present in population databases (gnomAD no frequency). This sequence change replaces proline, which is neutral and non-polar, with leucine, which is neutral and non-polar, at codon 384 of the RUNX1 protein (p.Pro384Leu).

NM_001754.5(RUNX1):c.1151C>T (p.Pro384Leu)

Gene: RUNX1 (RUNX family transcription factor 1; minus strand). Cytogenetic location: 21q22.12.
Variant type: single nucleotide variant.
Coding change: c.1151C>T on transcript NM_001754.5 (MANE Select); coding-DNA position 1151, C replaced by T.
Protein change: p.Pro384Leu; replaces proline 384 with leucine.
Molecular consequence: missense variant.
Genome position (GRCh38, 1-based): chr21:34,792,427, G>A on the plus strand (C>T on the coding strand, the complement: RUNX1 is on the minus strand). VCF-style: chr21-34792427-G-A. GRCh37 (hg19) VCF-style: chr21-36164724-G-A.
Other names: NM_001754.5(RUNX1):c.1151C>T; p.Pro384Leu; c.1070C>T, p.Pro357Leu (NM_001001890.3); short protein forms P357L, P384L.
Identifiers: ClinVar variation 1986052 (VCV001986052.6), dbSNP rs2056456449, ClinGen allele CA410147946.